The following is an entry in ClinVar:

ClinVar aggregate classification (germline): Uncertain significance (1 of 4 stars; one submission).

Conditions:
Alstrom syndrome (ALMS). Identifiers: Orphanet 64, MedGen C0268425, MONDO:0008763, OMIM 203800.

Submission:

Labcorp Genetics (formerly Invitae), Labcorp
Classification: Uncertain significance for Alstrom syndrome. Last evaluated: 2020-10-27. Review status: criteria provided, single submitter. Criteria: Invitae Variant Classification Sherloc (09022015). Collection method: clinical testing. Allele origin: germline.
Comment: In summary, the available evidence is currently insufficient to determine the role of this variant in disease. Therefore, it has been classified as a Variant of Uncertain Significance. Experimental studies and prediction algorithms are not available or were not evaluated, and the functional significance of this variant is currently unknown. This variant has not been reported in the literature in individuals with ALMS1-related conditions. This variant is not present in population databases (ExAC no frequency). This sequence change replaces threonine with arginine at codon 568 of the ALMS1 protein (p.Thr568Arg). The threonine residue is weakly conserved and there is a moderate physicochemical difference between threonine and arginine.

NM_001378454.1(ALMS1):c.1700C>G (p.Thr567Arg)

Gene: ALMS1 (ALMS1 centrosome and basal body associated protein; plus strand). Cytogenetic location: 2p13.1.
Variant type: single nucleotide variant.
Coding change: c.1700C>G on transcript NM_001378454.1 (MANE Select); coding-DNA position 1700, C replaced by G.
Protein change: p.Thr567Arg; replaces threonine 567 with arginine.
Molecular consequence: missense variant.
Genome position (GRCh38, 1-based): chr2:73,448,227, C>G. VCF-style: chr2-73448227-C-G. GRCh37 (hg19) VCF-style: chr2-73675354-C-G.
Other names: c.1703C>G, p.Thr568Arg (NM_015120.4); short protein forms T567R, T568R.
Identifiers: ClinVar variation 1044175 (VCV001044175.6), dbSNP rs752312999, ClinGen allele CA347265168.